The following is an entry in ClinVar:

NM_015631.6(TCTN3):c.1402G>C (p.Ala468Pro)

Gene: TCTN3 (tectonic family member 3; minus strand). Cytogenetic location: 10q24.1.
Variant type: single nucleotide variant.
Coding change: c.1402G>C on transcript NM_015631.6 (MANE Select); coding-DNA position 1402, G replaced by C.
Protein change: p.Ala468Pro; replaces alanine 468 with proline.
Molecular consequence: missense variant.
Genome position (GRCh38, 1-based): chr10:95,682,701, C>G on the plus strand (G>C on the coding strand, the complement: TCTN3 is on the minus strand). VCF-style: chr10-95682701-C-G. GRCh37 (hg19) VCF-style: chr10-97442458-C-G.
Other names: c.958G>C, p.Ala320Pro (NM_001143973.2); c.1402G>C (NM_015631.5); short protein forms A320P, A468P.
Identifiers: ClinVar variation 1416283 (VCV001416283.6), dbSNP rs1218187792, ClinGen allele CA377702321.

ClinVar aggregate classification (germline): Uncertain significance. Review status: criteria provided, multiple submitters, no conflicts (2 of 4 stars). 2 submissions from 2 submitters: Uncertain significance (2). Last evaluated 2023-04-25.

Conditions:
Inborn genetic diseases. Identifiers: MedGen C0950123, MeSH D030342.
Joubert syndrome 18 (JBTS18). Identifiers: Orphanet 2754, MedGen C3553758, MONDO:0013896, OMIM 614815.
Orofacial-digital syndrome IV (OFD4). Also called: BARAITSER-BURN SYNDROME; MOHR-MAJEWSKI SYNDROME; OFD SYNDROME WITH TIBIAL DEFECTS; OFD SYNDROME, BARAITSER-BURN TYPE; OFDS IV; ORAL-FACIAL-DIGITAL SYNDROME, TYPE IV. Identifiers: Orphanet 2753, MedGen C0406727, MONDO:0009794, OMIM 258860.

Allele frequency attached by ClinVar (database versions not stated): gnomAD exomes below 0.00001; TOPMed 0.00001.

Submissions (2):

Ambry Genetics
Classification: Uncertain significance for Inborn genetic diseases. Last evaluated: 2023-04-25. Review status: criteria provided, single submitter. Criteria: Ambry Variant Classification Scheme 2023. Collection method: clinical testing. Allele origin: germline.

Labcorp Genetics (formerly Invitae), Labcorp
Classification: Uncertain significance for Joubert syndrome 18; Orofacial-digital syndrome IV. Last evaluated: 2022-07-05. Review status: criteria provided, single submitter. Criteria: Invitae Variant Classification Sherloc (09022015). Collection method: clinical testing. Allele origin: germline.
Comment: This sequence change replaces alanine, which is neutral and non-polar, with proline, which is neutral and non-polar, at codon 468 of the TCTN3 protein (p.Ala468Pro). This variant is not present in population databases (gnomAD no frequency). This variant has not been reported in the literature in individuals affected with TCTN3-related conditions. ClinVar contains an entry for this variant (Variation ID: 1416283). Algorithms developed to predict the effect of missense changes on protein structure and function are either unavailable or do not agree on the potential impact of this missense change (SIFT: "Deleterious"; PolyPhen-2: "Possibly Damaging"; Align-GVGD: "Class C0"). In summary, the available evidence is currently insufficient to determine the role of this variant in disease. Therefore, it has been classified as a Variant of Uncertain Significance.